The following is an entry in ClinVar:

NM_006950.3(SYN1):c.506G>A (p.Arg169Gln)

Gene: SYN1 (synapsin I; minus strand). Cytogenetic location: Xp11.23.
Variant type: single nucleotide variant.
Coding change: c.506G>A on transcript NM_006950.3 (MANE Select); coding-DNA position 506, G replaced by A.
Protein change: p.Arg169Gln; replaces arginine 169 with glutamine.
Molecular consequence: missense variant.
Genome position (GRCh38, 1-based): chrX:47,606,966, C>T on the plus strand (G>A on the coding strand, the complement: SYN1 is on the minus strand). VCF-style: chrX-47606966-C-T. GRCh37 (hg19) VCF-style: chrX-47466365-C-T.
Other names: c.506G>A, p.Arg169Gln (NM_133499.2); short protein forms R169Q.
Identifiers: ClinVar variation 212332 (VCV000212332.40), dbSNP rs775109362, ClinGen allele CA209092.

ClinVar aggregate classification (germline): Conflicting classifications of pathogenicity. Review status: criteria provided, conflicting classifications (1 of 4 stars). 5 submissions from 5 submitters: Uncertain significance (4); Likely benign (1). Last evaluated 2025-05-05.

Conditions:
Epilepsy, X-linked 1, with variable learning disabilities and behavior disorders. Also called: X-linked epilepsy-learning disabilities-behavior disorders syndrome. Identifiers: Orphanet 85294, MedGen C5774177, MONDO:0010339, OMIM 300491.
Inborn genetic diseases. Identifiers: MedGen C0950123, MeSH D030342.

Allele frequency attached by ClinVar (database versions not stated): ExAC 0.00001; gnomAD exomes 0.00001 and 0.00003; gnomAD 0.00006 and 0.00007; TOPMed 0.00009.
gnomAD v4.1: 18 of 1,207,753 alleles (0.0015%); highest among the groups gnomAD compares: Admixed American, 0.011%; no homozygotes.

Submissions (5):

GeneDx
Classification: Uncertain significance. Last evaluated: 2025-05-05. Review status: criteria provided, single submitter. Criteria: GeneDx Variant Classification Process June 2021. Collection method: clinical testing. Allele origin: germline. Affected: yes.
Comment: In silico analysis supports that this missense variant has a deleterious effect on protein structure/function; Has not been previously published as pathogenic or benign to our knowledge

Labcorp Genetics (formerly Invitae), Labcorp
Classification: Uncertain significance for Epilepsy, X-linked 1, with variable learning disabilities and behavior disorders. Last evaluated: 2024-05-06. Review status: criteria provided, single submitter. Criteria: Invitae Variant Classification Sherloc (09022015). Collection method: clinical testing. Allele origin: germline.
Comment: This sequence change replaces arginine, which is basic and polar, with glutamine, which is neutral and polar, at codon 169 of the SYN1 protein (p.Arg169Gln). This variant is present in population databases (rs775109362, gnomAD 0.008%). This variant has not been reported in the literature in individuals affected with SYN1-related conditions. ClinVar contains an entry for this variant (Variation ID: 212332). An algorithm developed to predict the effect of missense changes on protein structure and function (PolyPhen-2) suggests that this variant is likely to be disruptive. In summary, the available evidence is currently insufficient to determine the role of this variant in disease. Therefore, it has been classified as a Variant of Uncertain Significance.

Ambry Genetics
Classification: Uncertain significance for Inborn genetic diseases. Last evaluated: 2024-03-01. Review status: criteria provided, single submitter. Criteria: Ambry Variant Classification Scheme 2023. Collection method: clinical testing. Allele origin: germline.

CeGaT Center for Human Genetics Tuebingen
Classification: Likely benign. Last evaluated: 2023-05-01. Review status: criteria provided, single submitter. Criteria: CeGaT Center For Human Genetics Tuebingen Variant Classification Criteria Version 2. Collection method: clinical testing. Allele origin: germline. Affected: yes. Observed: 1 variant allele.
Comment: SYN1: BS2

Genetic Services Laboratory, University of Chicago
Classification: Uncertain significance. Last evaluated: 2014-06-05. Review status: criteria provided, single submitter. Criteria: ACMG Guidelines, 2015. Collection method: clinical testing. Allele origin: germline.